The following is an entry in ClinVar:

ClinVar aggregate classification (germline): Pathogenic (1 of 4 stars; one submission).

Conditions:
Ehlers-Danlos syndrome, dermatosparaxis type. Also called: EDS VIIC; Dermatosparaxis; Ehlers-Danlos syndrome, type VII, autosomal recessive. Identifiers: Orphanet 1901, MedGen C2700425, MONDO:0009161, OMIM 225410.

Submission:

Myriad Genetics, Inc.
Classification: Pathogenic for Ehlers-Danlos syndrome, dermatosparaxis type. Last evaluated: 2024-05-14. Review status: criteria provided, single submitter. Criteria: Myriad Autosomal Dominant, Autosomal Recessive and X-Linked Classification Criteria (2023). Collection method: clinical testing. Allele origin: unknown.
Comment: NM_014244.4(ADAMTS2):c.109del1ins14(A37Cfs*33) is expected to be pathogenic in the context of Ehlers-Danlos syndrome, ADAMTS2-related. This variant is predicted to lead to an abnormal or absent protein product due to the creation of a premature termination codon in ADAMTS2, a gene where loss-of-function variants are known to be pathogenic. Please note: this variant was assessed in the context of healthy population screening.

NM_014244.5(ADAMTS2):c.109delinsTGTCTCTTATACAC (p.Ala37fs)

Gene: ADAMTS2 (ADAM metallopeptidase with thrombospondin type 1 motif 2; minus strand). Cytogenetic location: 5q35.3.
Variant type: Indel.
Coding change: c.109delinsTGTCTCTTATACAC on transcript NM_014244.5 (MANE Select); coding-DNA position 109, G replaced by TGTCTCTTATACAC.
Protein change: p.Ala37fs; shifts the reading frame from alanine 37.
Molecular consequence: frameshift variant.
Genome position (GRCh38, 1-based): chr5:179,345,220, C replaced by GTGTATAAGAGACA on the plus strand (G replaced by TGTCTCTTATACAC on the coding strand, the reverse complement: ADAMTS2 is on the minus strand). VCF-style: chr5-179345220-C-GTGTATAAGAGACA. GRCh37 (hg19) VCF-style: chr5-178772221-C-GTGTATAAGAGACA.
Other names: c.109delinsTGTCTCTTATACAC, p.Ala37fs (NM_021599.4); short protein forms A37fs.
Identifiers: ClinVar variation 5011212 (VCV005011212.1).